The following is an entry in ClinVar:

ClinVar aggregate classification (germline): Pathogenic (1 of 4 stars; one submission).

Conditions:
Birt-Hogg-Dube syndrome. Also called: Birt Hogg Dubé syndrome. Identifiers: Orphanet 122, MedGen C0346010, MONDO:0800444.

Submission:

Labcorp Genetics (formerly Invitae), Labcorp
Classification: Pathogenic for Birt-Hogg-Dube syndrome. Last evaluated: 2018-07-23. Review status: criteria provided, single submitter. Criteria: Invitae Variant Classification Sherloc (09022015). Collection method: clinical testing. Allele origin: unknown.
Comment: For these reasons, this variant has been classified as Pathogenic. This variant is a sub-genic deletion of the genomic region encompassing exons 11-13 of the FLCN gene. While this deletion is not anticipated to result in nonsense mediated decay, it is expected to create a truncated protein product. This variant has not been reported in the literature in individuals with FLCN-related disease. A different truncations (p.Arg527*) that lies downstream of this variant has been determined to be pathogenic (PMID: 15852235,¬†Invitae). This suggests that deletion of C-terminal domain of the FLCN protein is causative of disease. Loss-of-function variants in FLCN are known to be pathogenic (PMID: 15852235).

Literature cited by the submitters: PubMed 15852235.

NC_000017.10:g.(?_17118299)_(17119986_?)del

Gene: FLCN (folliculin; minus strand). Cytogenetic location: 17p11.2.
Variant type: Deletion.
Identifiers: ClinVar variation 3242947 (VCV003242947.1).